The following is an entry in ClinVar:

NM_007315.4(STAT1):c.1619C>T (p.Thr540Met)

Gene: STAT1 (signal transducer and activator of transcription 1; minus strand). Cytogenetic location: 2q32.2.
Variant type: single nucleotide variant.
Coding change: c.1619C>T on transcript NM_007315.4 (MANE Select); coding-DNA position 1619, C replaced by T.
Protein change: p.Thr540Met; replaces threonine 540 with methionine.
Molecular consequence: missense variant.
Genome position (GRCh38, 1-based): chr2:190,980,633, G>A on the plus strand (C>T on the coding strand, the complement: STAT1 is on the minus strand). VCF-style: chr2-190980633-G-A. GRCh37 (hg19) VCF-style: chr2-191845359-G-A.
Other names: c.1559C>T, p.Thr520Met (NM_001384880.1); c.1625C>T, p.Thr542Met (NM_001384881.1, NM_001384884.1); c.1613C>T, p.Thr538Met (NM_001384882.1); c.1520C>T, p.Thr507Met (NM_001384883.1); c.1460C>T, p.Thr487Met (NM_001384885.1); c.1619C>T, p.Thr540Met (NM_001384886.1, NM_001384889.1, NM_139266.3); c.1526C>T, p.Thr509Met (NM_001384887.1); c.1589C>T, p.Thr530Met (NM_001384888.1); and 2 more; short protein forms T510M, T520M, T540M, T509M, T538M, T487M, T530M, T507M.
Identifiers: ClinVar variation 1046569 (VCV001046569.8), dbSNP rs753414973, ClinGen allele CA2029877.
Genomic context (GRCh38, chr2:190,980,633, plus strand): 5'-CAAGAGCAAAAAGGACTTAGAGAGCATAAAACCCAGACAGTCCTCACCTTACAAAACCTC[G>A]TCCACGGAATGAGACCATCGGGGCTGGCGTTAGGACCTAAACAAATAAAAACCAGATTTT-3'
Protein context (NP_009330.1, residues 530-550): NASPDGLIPW[Thr540Met]RFCKENINDK

ClinVar aggregate classification (germline): Uncertain significance (1 of 4 stars; one submission).

Conditions:
Immunodeficiency 31B. Also called: STAT1 DEFICIENCY, AUTOSOMAL RECESSIVE; IMMUNODEFICIENCY 31B, MYCOBACTERIAL AND VIRAL INFECTIONS, AUTOSOMAL RECESSIVE. Identifiers: Orphanet 391311, MedGen C3151088, MONDO:0013427, OMIM 613796.
Autoimmune enteropathy and endocrinopathy - susceptibility to chronic infections syndrome. Also called: Immunodeficiency 31C; Immunodeficiency 31C, autosomal dominant. Identifiers: Orphanet 391487, MedGen C3279990, MONDO:0013599, OMIM 614162.
Mendelian susceptibility to mycobacterial diseases due to partial STAT1 deficiency. Also called: Immunodeficiency 31a; IMMUNODEFICIENCY 31A, MYCOBACTERIOSIS, AUTOSOMAL DOMINANT; STAT1 DEFICIENCY, AUTOSOMAL DOMINANT. Identifiers: Orphanet 319595, MedGen C4013950, MONDO:0013956, OMIM 614892.

Allele frequency attached by ClinVar (database versions not stated): TOPMed below 0.00001; gnomAD 0.00001; ExAC 0.00002; gnomAD exomes 0.00002.
gnomAD v4.1: 28 of 1,614,056 alleles (0.0017%); highest among the groups gnomAD compares: Non-Finnish European, 0.0022%; no homozygotes.

Submission:

Labcorp Genetics (formerly Invitae), Labcorp
Classification: Uncertain significance for Mendelian susceptibility to mycobacterial diseases due to partial STAT1 deficiency; Immunodeficiency 31B; Autoimmune enteropathy and endocrinopathy - susceptibility to chronic infections syndrome. Last evaluated: 2022-09-07. Review status: criteria provided, single submitter. Criteria: Invitae Variant Classification Sherloc (09022015). Collection method: clinical testing. Allele origin: germline.
Comment: In summary, the available evidence is currently insufficient to determine the role of this variant in disease. Therefore, it has been classified as a Variant of Uncertain Significance. Algorithms developed to predict the effect of missense changes on protein structure and function are either unavailable or do not agree on the potential impact of this missense change (SIFT: "Deleterious"; PolyPhen-2: "Possibly Damaging"; Align-GVGD: "Class C0"). ClinVar contains an entry for this variant (Variation ID: 1046569). This variant has not been reported in the literature in individuals affected with STAT1-related conditions. This variant is present in population databases (rs753414973, gnomAD 0.003%). This sequence change replaces threonine, which is neutral and polar, with methionine, which is neutral and non-polar, at codon 540 of the STAT1 protein (p.Thr540Met).